The following is an entry in ClinVar:

NM_001430.5(EPAS1):c.*1272C>T

Gene: EPAS1 (endothelial PAS domain protein 1; plus strand). Cytogenetic location: 2p21.
Variant type: single nucleotide variant.
Coding change: c.*1272C>T on transcript NM_001430.5 (MANE Select); 1272 bases downstream of the stop codon, C replaced by T.
Molecular consequence: 3 prime UTR variant.
Genome position (GRCh38, 1-based): chr2:46,385,932, C>T. VCF-style: chr2-46385932-C-T. GRCh37 (hg19) VCF-style: chr2-46613071-C-T.
Identifiers: ClinVar variation 336311 (VCV000336311.29), dbSNP rs115678594, ClinGen allele CA10613984.
Genomic context (GRCh38, chr2:46,385,932, plus strand): 5'-GAGATGGTTTAGACGGGAATTCATGCAAATGAGGGGTCAAAAATGGTATAGTGACCCCGT[C>T]CACGTCCTCCAAGCTCACGACCTTGGAGCCCCGTGGAGCTGGACTGAGGAGGAGGCTGCA-3'

ClinVar aggregate classification (germline): Benign. Review status: criteria provided, multiple submitters, no conflicts (2 of 4 stars). 2 submissions from 2 submitters: Benign (2). Last evaluated 2023-03-01.

Conditions:
Erythrocytosis, familial, 4 (ECYT4). Identifiers: Orphanet 247511, MedGen C2673187, MONDO:0012729, OMIM 611783.

Allele frequency attached by ClinVar (database versions not stated): 1000 Genomes Project 0.00539; 1000 Genomes Project 30x 0.00578; TOPMed 0.00753; gnomAD 0.00781 and 0.00805; gnomAD exomes 0.01240.
gnomAD v4.1: 1,206 of 152,594 alleles (0.79%); highest among the groups gnomAD compares: Non-Finnish European, 1.1%; 10 homozygotes.

Submissions (2):

CeGaT Center for Human Genetics Tuebingen
Classification: Benign. Last evaluated: 2023-03-01. Review status: criteria provided, single submitter. Criteria: CeGaT Center For Human Genetics Tuebingen Variant Classification Criteria Version 2. Collection method: clinical testing. Allele origin: germline. Affected: yes. Observed: 3 variant alleles.
Comment: EPAS1: BS1, BS2

Illumina Laboratory Services, Illumina
Classification: Benign for Erythrocytosis, familial, 4. Last evaluated: 2018-01-13. Review status: criteria provided, single submitter. Criteria: ICSL Variant Classification Criteria 13 December 2019. Collection method: clinical testing. Allele origin: germline.
Comment: This variant was observed in the ICSL laboratory as part of a predisposition screen in an ostensibly healthy population. It had not been previously curated by ICSL or reported in the Human Gene Mutation Database (HGMD: prior to June 1st, 2018), and was therefore a candidate for classification through an automated scoring system. Utilizing variant allele frequency, disease prevalence and penetrance estimates, and inheritance mode, an automated score was calculated to assess if this variant is too frequent to cause the disease. Based on the score and internal cut-off values, a variant classified as benign is not then subjected to further curation. The score for this variant resulted in a classification of benign for this disease.